The following is an entry in ClinVar:

NM_001083603.3(PTCH1):c.12T>C (p.Leu4=)

Gene: PTCH1 (patched 1; minus strand). Cytogenetic location: 9q22.32.
Variant type: single nucleotide variant.
Coding change: c.12T>C on transcript NM_001083603.3 (MANE Plus Clinical); coding-DNA position 12, T replaced by C.
Protein change: p.Leu4=; no amino-acid change (leucine 4 retained).
Molecular consequence: synonymous variant. On other transcripts: 5 prime UTR variant (2).
Genome position (GRCh38, 1-based): chr9:95,516,809, A>G on the plus strand (T>C on the coding strand, the complement: PTCH1 is on the minus strand). VCF-style: chr9-95516809-A-G. GRCh37 (hg19) VCF-style: chr9-98279091-A-G.
Other names: c.-338T>C (NM_001083602.3, NM_001354919.2).
Identifiers: ClinVar variation 4978430 (VCV004978430.1).

ClinVar aggregate classification (germline): Likely benign (1 of 4 stars; one submission).

Conditions:
PTCH1-related disorder. Also called: PTCH1-related disorders; PTCH1-related condition.

gnomAD v4.1: 41 of 1,608,928 alleles (0.0025%); highest among the groups gnomAD compares: Non-Finnish European, 0.0033%; no homozygotes.

Submission:

PreventionGenetics, part of Exact Sciences
Classification: Likely benign for PTCH1-related condition. Last evaluated: 2026-07-28. Review status: criteria provided, single submitter. Criteria: ACMG Guidelines, 2015. Collection method: clinical testing. Allele origin: germline.
Comment: This variant is classified as likely benign based on ACMG/AMP sequence variant interpretation guidelines (Richards et al. 2015 PMID: 25741868, with internal and published modifications).